The following is an entry in ClinVar:

ClinVar aggregate classification (germline): Uncertain significance (1 of 4 stars; one submission).

Allele frequency attached by ClinVar (database versions not stated): gnomAD exomes below 0.00001 and 0.00001; TOPMed 0.00001; gnomAD 0.00002.
gnomAD v4.1: 6 of 1,612,554 alleles (0.00037%); highest among the groups gnomAD compares: Admixed American, 0.0083%; no homozygotes.

Submission:

Labcorp Genetics (formerly Invitae), Labcorp
Classification: Uncertain significance. Last evaluated: 2021-03-29. Review status: criteria provided, single submitter. Criteria: Invitae Variant Classification Sherloc (09022015). Collection method: clinical testing. Allele origin: germline.
Comment: This sequence change replaces alanine with valine at codon 40 of the SH3PXD2B protein (p.Ala40Val). The alanine residue is weakly conserved and there is a small physicochemical difference between alanine and valine. In summary, the available evidence is currently insufficient to determine the role of this variant in disease. Therefore, it has been classified as a Variant of Uncertain Significance. Algorithms developed to predict the effect of sequence changes on RNA splicing suggest that this variant may create or strengthen a splice site, but this prediction has not been confirmed by published transcriptional studies. Algorithms developed to predict the effect of missense changes on protein structure and function (SIFT, PolyPhen-2, Align-GVGD) all suggest that this variant is likely to be tolerated, but these predictions have not been confirmed by published functional studies and their clinical significance is uncertain. This variant has not been reported in the literature in individuals with SH3PXD2B-related conditions. This variant is not present in population databases (ExAC no frequency).

NM_001017995.3(SH3PXD2B):c.119C>T (p.Ala40Val)

Gene: SH3PXD2B (SH3 and PX domains 2B; minus strand). Cytogenetic location: 5q35.1.
Variant type: single nucleotide variant.
Coding change: c.119C>T on transcript NM_001017995.3 (MANE Select); coding-DNA position 119, C replaced by T.
Protein change: p.Ala40Val; replaces alanine 40 with valine.
Molecular consequence: missense variant.
Genome position (GRCh38, 1-based): chr5:172,422,453, G>A on the plus strand (C>T on the coding strand, the complement: SH3PXD2B is on the minus strand). VCF-style: chr5-172422453-G-A. GRCh37 (hg19) VCF-style: chr5-171849457-G-A.
Other names: c.119C>T, p.Ala40Val (NM_001308175.2); short protein forms A40V.
Identifiers: ClinVar variation 1408293 (VCV001408293.6), dbSNP rs1469770083, ClinGen allele CA362144482.